The following is an entry in ClinVar:

ClinVar aggregate classification (germline): Likely pathogenic (1 of 4 stars; one submission).

Submission:

Dasa
Classification: Likely pathogenic. Last evaluated: 2025-09-25. Review status: criteria provided, single submitter. Criteria: DASA Assertion Criteria. Collection method: clinical testing. Allele origin: germline.
Comment: NM_014244.5(ADAMTS2):c.452del (p.Leu151Argfs*14) introduces a premature termination codon predicted to result in loss of normal protein function. Loss-of-function is an established mechanism of disease for this gene. The variant is present at low frequency in population datasets. Based on the available data, this variant is classified as likely pathogenic.

NM_014244.5(ADAMTS2):c.452del (p.Leu151fs)

Gene: ADAMTS2 (ADAM metallopeptidase with thrombospondin type 1 motif 2; minus strand). Cytogenetic location: 5q35.3.
Variant type: Deletion.
Coding change: c.452del on transcript NM_014244.5 (MANE Select); coding-DNA position 452, one base deleted (T; older notation c.452delT).
Protein change: p.Leu151fs; shifts the reading frame from leucine 151.
Molecular consequence: frameshift variant.
Genome position (GRCh38, 1-based): chr5:179,343,849, A deleted on the plus strand (T on the coding strand, the reverse complement: ADAMTS2 is on the minus strand). VCF-style (leftmost placement, unchanged base first): chr5-179343848-CA-C. GRCh37 (hg19) VCF-style: chr5-178770849-CA-C.
Other names: c.452del, p.Leu151fs (NM_021599.4); short protein forms L151fs.
Identifiers: ClinVar variation 4851868 (VCV004851868.1).